The following is an entry in ClinVar:

NM_000021.4(PSEN1):c.177C>A (p.Ser59=)

Gene: PSEN1 (presenilin 1; plus strand). Cytogenetic location: 14q24.2.
Variant type: single nucleotide variant.
Coding change: c.177C>A on transcript NM_000021.4 (MANE Select); coding-DNA position 177, C replaced by A.
Protein change: p.Ser59=; no amino-acid change (serine 59 retained).
Molecular consequence: synonymous variant.
Genome position (GRCh38, 1-based): chr14:73,170,886, C>A. VCF-style: chr14-73170886-C-A. GRCh37 (hg19) VCF-style: chr14-73637594-C-A.
Other names: c.165C>A, p.Ser55= (NM_007318.3); c.177C>A (NM_000021.3).
Identifiers: ClinVar variation 2183816 (VCV002183816.5), dbSNP rs201998552, ClinGen allele CA487255720.

ClinVar aggregate classification (germline): Likely benign. Review status: criteria provided, multiple submitters, no conflicts (2 of 4 stars). 2 submissions from 2 submitters: Likely benign (2). Last evaluated 2025-09-19.

Conditions:
Frontotemporal dementia (FTD1). Also called: Frontotemporal lobe dementia (FLDEM); FRONTOTEMPORAL LOBAR DEGENERATION WITH TAU INCLUSIONS; FTLD WITH TAU INCLUSIONS; WILHELMSEN-LYNCH DISEASE; Frontotemporal Dementia with Parkinsonism-17 (FTDP-17); FRONTOTEMPORAL DEMENTIA WITH PARKINSONISM. Identifiers: Orphanet 282, MedGen C0338451, MONDO:0017276, OMIM 600274, HP:0002145.
Acne inversa, familial, 3 (ACNINV3). Identifiers: MedGen C3151038, MONDO:0013398, OMIM 613737.
Pick disease. Also called: DEMENTIA WITH LOBAR ATROPHY AND NEURONAL CYTOPLASMIC INCLUSIONS; Pick Disease of the Brain; LOBAR ATROPHY OF BRAIN; PICK DISEASE OF BRAIN; Pick's disease. Identifiers: Orphanet 282, MedGen C0236642, MONDO:0008243, OMIM 172700.
Alzheimer disease 3 (AD3). Also called: ALZHEIMER DISEASE, FAMILIAL, 3. Identifiers: Orphanet 1020, MedGen C1843013, MONDO:0011913, OMIM 607822.

Allele frequency attached by ClinVar (database versions not stated): gnomAD 0.00002; TOPMed 0.00002.

Submissions (2):

Athena Diagnostics
Classification: Likely benign. Last evaluated: 2025-09-19. Review status: criteria provided, single submitter. Criteria: Athena Diagnostics Criteria. Collection method: clinical testing. Allele origin: unknown.
Comment: Computational tools yielded predictions that this variant is unlikely to have an effect on normal RNA splicing. This nucleotide position exhibits low evolutionary conservation.

Labcorp Genetics (formerly Invitae), Labcorp
Classification: Likely benign for Alzheimer disease 3; Pick disease; Acne inversa, familial, 3; Frontotemporal dementia. Last evaluated: 2022-07-19. Review status: criteria provided, single submitter. Criteria: Invitae Variant Classification Sherloc (09022015). Collection method: clinical testing. Allele origin: germline.